The following is an entry in ClinVar:

ClinVar aggregate classification (germline): Uncertain significance (1 of 4 stars; one submission).

Conditions:
CEP164-related disorder. Also called: CEP164-related condition.

gnomAD v4.1: 2 of 1,614,150 alleles (0.00012%); highest among the groups gnomAD compares: Admixed American, 0.0033%; no homozygotes.

Submission:

PreventionGenetics, part of Exact Sciences
Classification: Uncertain significance for CEP164-related condition. Last evaluated: 2025-10-22. Review status: criteria provided, single submitter. Criteria: ACMG Guidelines, 2015. Collection method: clinical testing. Allele origin: germline.
Comment: The CEP164 c.4312C>T variant is predicted to result in the amino acid substitution p.Pro1438Ser. To our knowledge, this variant has not been reported in the literature or in a large population database (gnomAD), indicating this variant is rare. At this time, the clinical significance of this variant is uncertain due to the absence of conclusive functional and genetic evidence.

NM_014956.5(CEP164):c.4312C>T (p.Pro1438Ser)

Gene: CEP164 (centrosomal protein 164; plus strand). Cytogenetic location: 11q23.3.
Variant type: single nucleotide variant.
Coding change: c.4312C>T on transcript NM_014956.5 (MANE Select); coding-DNA position 4312, C replaced by T.
Protein change: p.Pro1438Ser; replaces proline 1438 with serine.
Molecular consequence: missense variant.
Genome position (GRCh38, 1-based): chr11:117,412,097, C>T. VCF-style: chr11-117412097-C-T. GRCh37 (hg19) VCF-style: chr11-117282813-C-T.
Other names: c.4297C>T, p.Pro1433Ser (NM_001271933.2); c.4318C>T, p.Pro1440Ser (NM_001440949.1); c.4312C>T, p.Pro1438Ser (NM_001440950.1, NM_001440951.1); c.4303C>T, p.Pro1435Ser (NM_001440952.1); c.4288C>T, p.Pro1430Ser (NM_001440953.1); c.4234C>T, p.Pro1412Ser (NM_001440954.1, NM_001440955.1); c.4225C>T, p.Pro1409Ser (NM_001440956.1); c.4222C>T, p.Pro1408Ser (NM_001440957.1); and 21 more; short protein forms P1404S, P1363S, P1381S, P1388S, P1389S, P1395S, P1409S, P1435S.
Identifiers: ClinVar variation 4996272 (VCV004996272.1).